The following is an entry in ClinVar:

ClinVar aggregate classification (germline): Uncertain significance (1 of 4 stars; one submission).

Submission:

GeneDx
Classification: Uncertain significance. Last evaluated: 2023-03-27. Review status: criteria provided, single submitter. Criteria: GeneDx Variant Classification Process June 2021. Collection method: clinical testing. Allele origin: germline. Affected: yes.
Comment: Not observed at significant frequency in large population cohorts (gnomAD); In silico analysis supports that this missense variant has a deleterious effect on protein structure/function; Has not been previously published as pathogenic or benign to our knowledge; This variant is associated with the following publications: (PMID: 27839871)

NM_001134407.3(GRIN2A):c.1884G>C (p.Lys628Asn)

Gene: GRIN2A (glutamate ionotropic receptor NMDA type subunit 2A; minus strand). Cytogenetic location: 16p13.2.
Variant type: single nucleotide variant.
Coding change: c.1884G>C on transcript NM_001134407.3 (MANE Select); coding-DNA position 1884, G replaced by C.
Protein change: p.Lys628Asn; replaces lysine 628 with asparagine.
Molecular consequence: missense variant.
Genome position (GRCh38, 1-based): chr16:9,829,546, C>G on the plus strand (G>C on the coding strand, the complement: GRIN2A is on the minus strand). VCF-style: chr16-9829546-C-G. GRCh37 (hg19) VCF-style: chr16-9923403-C-G.
Other names: c.1884G>C, p.Lys628Asn (NM_000833.5, NM_001134408.2); short protein forms K628N.
Identifiers: ClinVar variation 2446566 (VCV002446566.1), dbSNP rs2506111721, ClinGen allele CA394799564.
Genomic context (GRCh38, chr16:9,829,546, plus strand): 5'-ATTGGCTGTGTAGCTAGCCAGGAATATGACAGCGAAGAAGGCCCATACAGATACCATGAT[C>G]TTGCTGGTGGTCCCTTTAGGATTCTGGACAGGCACGGAGTTATTGAACACCAGGCCCCAA-3'
Protein context (NP_001127879.1, residues 618-638): PVQNPKGTTS[Lys628Asn]IMVSVWAFFA